The following is an entry in ClinVar:

NM_017780.4(CHD7):c.4236C>G (p.Tyr1412Ter)

Gene: CHD7 (chromodomain helicase DNA binding protein 7; plus strand). Cytogenetic location: 8q12.2.
Variant type: single nucleotide variant.
Coding change: c.4236C>G on transcript NM_017780.4 (MANE Select); coding-DNA position 4236, C replaced by G.
Protein change: p.Tyr1412Ter; replaces tyrosine 1412 with a stop codon.
Molecular consequence: nonsense. On other transcripts: intron variant (1).
Genome position (GRCh38, 1-based): chr8:60,837,718, C>G. VCF-style: chr8-60837718-C-G. GRCh37 (hg19) VCF-style: chr8-61750277-C-G.
Other names: c.1717-24511C>G (NM_001316690.1); short protein forms Y1412*.
Identifiers: ClinVar variation 2754683 (VCV002754683.3), dbSNP rs2487910556, ClinGen allele CA371317759.

ClinVar aggregate classification (germline): Pathogenic (1 of 4 stars; one submission).

Conditions:
CHARGE syndrome (CHARGE). Also called: Hittner Hirsch Kreh syndrome; CHARGE ASSOCIATION--COLOBOMA, HEART ANOMALY, CHOANAL ATRESIA, RETARDATION, GENITAL AND EAR ANOMALIES; Coloboma, heart anomaly, choanal atresia, retardation, genital and ear anomalies; CHARGE association; Hall-Hittner syndrome. Identifiers: Orphanet 138, MedGen C0265354, MONDO:0008965.

Submission:

Labcorp Genetics (formerly Invitae), Labcorp
Classification: Pathogenic for CHARGE syndrome. Last evaluated: 2023-08-24. Review status: criteria provided, single submitter. Criteria: Invitae Variant Classification Sherloc (09022015). Collection method: clinical testing. Allele origin: germline.
Comment: This variant is not present in population databases (gnomAD no frequency). This sequence change creates a premature translational stop signal (p.Tyr1412*) in the CHD7 gene. It is expected to result in an absent or disrupted protein product. Loss-of-function variants in CHD7 are known to be pathogenic (PMID: 22461308, 25077900). For these reasons, this variant has been classified as Pathogenic. Algorithms developed to predict the effect of sequence changes on RNA splicing suggest that this variant may disrupt the consensus splice site. This variant has not been reported in the literature in individuals affected with CHD7-related conditions.

Literature cited by the submitters: PubMed 22461308; PubMed 25077900.